The following is an entry in ClinVar:

NM_001009944.3(PKD1):c.12643C>T (p.Leu4215Phe)

Gene: PKD1 (polycystin 1, transient receptor potential channel interacting; minus strand). Cytogenetic location: 16p13.3.
Variant type: single nucleotide variant.
Coding change: c.12643C>T on transcript NM_001009944.3 (MANE Select); coding-DNA position 12643, C replaced by T.
Protein change: p.Leu4215Phe; replaces leucine 4215 with phenylalanine.
Molecular consequence: missense variant.
Genome position (GRCh38, 1-based): chr16:2,089,996, G>A on the plus strand (C>T on the coding strand, the complement: PKD1 is on the minus strand). VCF-style: chr16-2089996-G-A. GRCh37 (hg19) VCF-style: chr16-2139997-G-A.
Other names: c.12640C>T, p.Leu4214Phe (NM_000296.4); c.12643C>T (NM_001009944.2); short protein forms L4214F, L4215F.
Identifiers: ClinVar variation 440107 (VCV000440107.12), dbSNP rs757068311, ClinGen allele CA7828515.

ClinVar aggregate classification (germline): Uncertain significance. Review status: criteria provided, multiple submitters, no conflicts (2 of 4 stars). 5 submissions from 5 submitters: Uncertain significance (4). 1 of the submissions does not count toward it. Last evaluated 2024-12-24.

Conditions:
PKD1-related disorder. Also called: PKD1-related condition.
Polycystic kidney disease, adult type (PKD1). Also called: POLYCYSTIC KIDNEY DISEASE, ADULT, TYPE I; Polycystic Kidney Disease 1, Autosomal Dominant; Polycystic kidney disease 1; Polycystic kidney disease 1, severe; Polycystic Kidney, Autosomal Dominant; POLYCYSTIC KIDNEY DISEASE 1 WITH OR WITHOUT POLYCYSTIC LIVER DISEASE. Identifiers: MedGen C3149841, MONDO:0008263, OMIM 173900.

Allele frequency attached by ClinVar (database versions not stated): gnomAD exomes below 0.00001; ExAC 0.00001.
gnomAD v4.1: 3 of 1,610,538 alleles (0.00019%); highest among the groups gnomAD compares: Admixed American, 0.0034%; no homozygotes.

Submissions (5):

GeneDx
Classification: Uncertain significance. Last evaluated: 2024-12-24. Review status: criteria provided, single submitter. Criteria: GeneDx Variant Classification Process June 2021. Collection method: clinical testing. Allele origin: germline. Affected: yes.
Comment: Not observed at significant frequency in large population cohorts (gnomAD); In silico analysis supports that this missense variant has a deleterious effect on protein structure/function; Has not been previously published as pathogenic or benign to our knowledge

Fulgent Genetics
Classification: Uncertain significance for Polycystic kidney disease, adult type. Last evaluated: 2024-03-19. Review status: criteria provided, single submitter. Criteria: ACMG Guidelines, 2015. Collection method: clinical testing. Allele origin: germline.

Blueprint Genetics
Classification: Uncertain significance. Last evaluated: 2020-08-11. Review status: criteria provided, single submitter. Criteria: ACMG Guidelines, 2015. Collection method: clinical testing. Allele origin: germline.

ARUP Laboratories, Molecular Genetics and Genomics, ARUP Laboratories
Classification: Uncertain significance. Last evaluated: 2016-12-13. Review status: criteria provided, single submitter. Criteria: ARUP Molecular Germline Variant Investigation Process. Collection method: clinical testing. Allele origin: germline.

PreventionGenetics, part of Exact Sciences
Classification: Uncertain significance for PKD1-related condition. Last evaluated: 2024-08-27. Review status: no assertion criteria provided. Collection method: clinical testing. Allele origin: germline. Not counted in ClinVar's aggregate classification.
Comment: The PKD1 c.12643C>T variant is predicted to result in the amino acid substitution p.Leu4215Phe. To our knowledge, this variant has not been reported in the literature. This variant is reported in 0.0030% of alleles in individuals of Latino descent in gnomAD. At this time, the clinical significance of this variant is uncertain due to the absence of conclusive functional and genetic evidence.